The following is an entry in ClinVar:

ClinVar aggregate classification (germline): Likely pathogenic. Review status: criteria provided, multiple submitters, no conflicts (2 of 4 stars). 3 submissions from 3 submitters: Likely pathogenic (2). 1 of the submissions does not count toward it. Last evaluated 2024-06-29.

Conditions:
SLC5A1-related disorder. Also called: SLC5A1-related condition.
Congenital glucose-galactose malabsorption (GGM). Also called: MONOSACCHARIDE MALABSORPTION; DIARRHEA 16. Identifiers: Orphanet 35710, MedGen C0268186, MONDO:0011731, OMIM 606824.

Allele frequency attached by ClinVar (database versions not stated): TOPMed 0.00002; gnomAD 0.00003; gnomAD exomes 0.00003.
gnomAD v4.1: 52 of 1,606,114 alleles (0.0032%); highest among the groups gnomAD compares: Non-Finnish European, 0.0041%; no homozygotes.

Submissions (3):

GeneDx
Classification: Likely pathogenic. Last evaluated: 2024-06-29. Review status: criteria provided, single submitter. Criteria: GeneDx Variant Classification Process June 2021. Collection method: clinical testing. Allele origin: germline. Affected: yes.
Comment: Reported in two families with glucose/galactose malabsorption who also harbor additional missense variants in the SLC5A1 gene (PMID: 8563765); Published functional studies demonstrate a damaging effect as this variant leads to a significant reduction of SLC5A1 activity (PMID: 8563765); In silico analysis supports that this missense variant has a deleterious effect on protein structure/function; Not observed at significant frequency in large population cohorts (gnomAD); This variant is associated with the following publications: (PMID: 25525159, 35869530, 21527736, 8563765)

Fulgent Genetics
Classification: Likely pathogenic for Congenital glucose-galactose malabsorption. Last evaluated: 2024-03-15. Review status: criteria provided, single submitter. Criteria: ACMG Guidelines, 2015. Collection method: clinical testing. Allele origin: germline.

PreventionGenetics, part of Exact Sciences
Classification: Likely pathogenic for SLC5A1-related condition. Last evaluated: 2023-12-29. Review status: no assertion criteria provided. Collection method: clinical testing. Allele origin: germline. Not counted in ClinVar's aggregate classification.
Comment: The SLC5A1 c.475T>C variant is predicted to result in the amino acid substitution p.Ser159Pro. This variant was reported in the compound heterozygous state in at least two individuals affected with glucose-galactose malabsorption; in vitro functional studies indicated that this amino acid change resulted in significantly decreased activity (Martin et al. 1996. PubMed ID: 8563765). This variant is reported in 0.0023% of alleles in individuals of European (Non-Finnish) descent in gnomAD. This variant is interpreted as likely pathogenic.

NM_000343.4(SLC5A1):c.475T>C (p.Ser159Pro)

Gene: SLC5A1 (solute carrier family 5 member 1; plus strand). Cytogenetic location: 22q12.3.
Variant type: single nucleotide variant.
Coding change: c.475T>C on transcript NM_000343.4 (MANE Select); coding-DNA position 475, T replaced by C.
Protein change: p.Ser159Pro; replaces serine 159 with proline.
Molecular consequence: missense variant.
Genome position (GRCh38, 1-based): chr22:32,068,598, T>C. VCF-style: chr22-32068598-T-C. GRCh37 (hg19) VCF-style: chr22-32464585-T-C.
Other names: c.94T>C, p.Ser32Pro (NM_001256314.2); short protein forms S159P, S32P.
Identifiers: ClinVar variation 2631995 (VCV002631995.5), dbSNP rs933026071, ClinGen allele CA323369022.
Genomic context (GRCh38, chr22:32,068,598, plus strand): 5'-CAGCGGATCCAGGTCTACCTTTCCCTTCTGTCCCTGCTGCTCTACATTTTCACCAAGATC[T>C]CGGTGAGTCCACTGCCCCAGAGGGCTGGGCTGTCTCAGAAGCTGCCACTCTCATTCCTCA-3'
Protein context (NP_000334.1, residues 149-169): SLLLYIFTKI[Ser159Pro]ADIFSGAIFI